The following is an entry in ClinVar:

NM_001003800.2(BICD2):c.1910A>G (p.Gln637Arg)

Gene: BICD2 (BICD cargo adaptor 2; minus strand). Cytogenetic location: 9q22.31.
Variant type: single nucleotide variant.
Coding change: c.1910A>G on transcript NM_001003800.2 (MANE Select); coding-DNA position 1910, A replaced by G.
Protein change: p.Gln637Arg; replaces glutamine 637 with arginine.
Molecular consequence: missense variant.
Genome position (GRCh38, 1-based): chr9:92,718,735, T>C on the plus strand (A>G on the coding strand, the complement: BICD2 is on the minus strand). VCF-style: chr9-92718735-T-C. GRCh37 (hg19) VCF-style: chr9-95481017-T-C.
Other names: c.1910A>G, p.Gln637Arg (NM_015250.4); short protein forms Q637R.
Identifiers: ClinVar variation 3365398 (VCV003365398.2).

ClinVar aggregate classification (germline): Uncertain significance (1 of 4 stars; one submission).

Submission:

GeneDx
Classification: Uncertain significance. Last evaluated: 2025-08-05. Review status: criteria provided, single submitter. Criteria: GeneDx Variant Classification Process June 2021. Collection method: clinical testing. Allele origin: germline.
Comment: Not observed at significant frequency in large population cohorts (gnomAD); In silico analysis supports that this missense variant has a deleterious effect on protein structure/function; Has not been previously published as pathogenic or benign to our knowledge